The following is an entry in ClinVar:

NM_003640.5(ELP1):c.1114G>C (p.Asp372His)

Gene: ELP1 (elongator acetyltransferase complex subunit 1; minus strand). Cytogenetic location: 9q31.3.
Variant type: single nucleotide variant.
Coding change: c.1114G>C on transcript NM_003640.5 (MANE Select); coding-DNA position 1114, G replaced by C.
Protein change: p.Asp372His; replaces aspartic acid 372 with histidine.
Molecular consequence: missense variant.
Genome position (GRCh38, 1-based): chr9:108,912,339, C>G on the plus strand (G>C on the coding strand, the complement: ELP1 is on the minus strand). VCF-style: chr9-108912339-C-G. GRCh37 (hg19) VCF-style: chr9-111674619-C-G.
Other names: c.67G>C, p.Asp23His (NM_001330749.2); c.772G>C, p.Asp258His (NM_001318360.2); short protein forms D23H, D258H, D372H.
Identifiers: ClinVar variation 1799989 (VCV001799989.5), dbSNP rs755055316, ClinGen allele CA197544970.

ClinVar aggregate classification (germline): Uncertain significance. Review status: criteria provided, multiple submitters, no conflicts (2 of 4 stars). 2 submissions from 2 submitters: Uncertain significance (2). Last evaluated 2024-01-24.

Allele frequency attached by ClinVar (database versions not stated): gnomAD exomes 0.00001.
gnomAD v4.1: 21 of 1,614,176 alleles (0.0013%); highest among the groups gnomAD compares: Non-Finnish European, 0.0017%; no homozygotes.

Submissions (2):

Labcorp Genetics (formerly Invitae), Labcorp
Classification: Uncertain significance. Last evaluated: 2024-01-24. Review status: criteria provided, single submitter. Criteria: Invitae Variant Classification Sherloc (09022015). Collection method: clinical testing. Allele origin: germline.
Comment: This sequence change replaces aspartic acid, which is acidic and polar, with histidine, which is basic and polar, at codon 372 of the ELP1 protein (p.Asp372His). This variant is present in population databases (rs755055316, gnomAD 0.003%). This variant has not been reported in the literature in individuals affected with ELP1-related conditions. ClinVar contains an entry for this variant (Variation ID: 1799989). Advanced modeling of protein sequence and biophysical properties (such as structural, functional, and spatial information, amino acid conservation, physicochemical variation, residue mobility, and thermodynamic stability) performed at Invitae indicates that this missense variant is not expected to disrupt ELP1 protein function with a negative predictive value of 80%. In summary, the available evidence is currently insufficient to determine the role of this variant in disease. Therefore, it has been classified as a Variant of Uncertain Significance.

Ambry Genetics
Classification: Uncertain significance. Last evaluated: 2020-06-16. Review status: criteria provided, single submitter. Criteria: Ambry Variant Classification Scheme 2023. Collection method: clinical testing. Allele origin: germline.
Comment: The p.D372H variant (also known as c.1114G>C), located in coding exon 10 of the IKBKAP gene, results from a G to C substitution at nucleotide position 1114. The aspartic acid at codon 372 is replaced by histidine, an amino acid with similar properties. This amino acid position is well conserved in available vertebrate species. In addition, the in silico prediction for this alteration is inconclusive. Since supporting evidence is limited at this time, the clinical significance of this alteration remains unclear.